The following is an entry in ClinVar:

ClinVar aggregate classification (germline): Uncertain significance (1 of 4 stars; one submission).

Submission:

GeneDx
Classification: Uncertain significance. Last evaluated: 2024-01-17. Review status: criteria provided, single submitter. Criteria: GeneDx Variant Classification Process June 2021. Collection method: clinical testing. Allele origin: germline. Affected: yes.
Comment: Not observed at significant frequency in large population cohorts (gnomAD); In silico analysis supports that this missense variant does not alter protein structure/function; Has not been previously published as pathogenic or benign to our knowledge

NM_052867.4(NALCN):c.3034A>G (p.Ser1012Gly)

Gene: NALCN (sodium leak channel, non-selective; minus strand). Cytogenetic location: 13q33.1.
Variant type: single nucleotide variant.
Coding change: c.3034A>G on transcript NM_052867.4 (MANE Select); coding-DNA position 3034, A replaced by G.
Protein change: p.Ser1012Gly; replaces serine 1012 with glycine.
Molecular consequence: missense variant.
Genome position (GRCh38, 1-based): chr13:101,103,195, T>C on the plus strand (A>G on the coding strand, the complement: NALCN is on the minus strand). VCF-style: chr13-101103195-T-C. GRCh37 (hg19) VCF-style: chr13-101755546-T-C.
Other names: c.3121A>G, p.Ser1041Gly (NM_001350748.2); c.3034A>G, p.Ser1012Gly (NM_001350749.2); c.2947A>G, p.Ser983Gly (NM_001350750.2, NM_001350751.2); short protein forms S1012G, S1041G, S983G.
Identifiers: ClinVar variation 3343907 (VCV003343907.1).